The following is an entry in ClinVar:

ClinVar aggregate classification (germline): Uncertain significance. Review status: criteria provided, multiple submitters, no conflicts (2 of 4 stars). 3 submissions from 3 submitters: Uncertain significance (3). Last evaluated 2026-01-04.

Conditions:
Hereditary cancer-predisposing syndrome. Also called: Hereditary Cancer Syndrome; Tumor predisposition; Neoplastic Syndromes, Hereditary; Hereditary neoplastic syndrome. Identifiers: Orphanet 140162, MedGen C0027672, MeSH D009386, MONDO:0015356.
Gastrointestinal stromal tumor. Also called: Gastrointestinal stromal tumor, somatic; Gastrointestinal stroma tumor. Identifiers: Orphanet 44890, MedGen C0238198, MeSH D046152, MONDO:0011719, OMIM 606764, HP:0100723.

Allele frequency attached by ClinVar (database versions not stated): ExAC 0.00001; gnomAD 0.00003.
gnomAD v4.1: 11 of 1,614,068 alleles (0.00068%); highest among the groups gnomAD compares: Non-Finnish European, 0.00093%; no homozygotes.

Submissions (3):

Labcorp Genetics (formerly Invitae), Labcorp
Classification: Uncertain significance for Gastrointestinal stromal tumor. Last evaluated: 2026-01-04. Review status: criteria provided, single submitter. Criteria: Invitae Variant Classification Sherloc (09022015). Collection method: clinical testing. Allele origin: germline.
Comment: This sequence change replaces lysine, which is basic and polar, with methionine, which is neutral and non-polar, at codon 158 of the KIT protein (p.Lys158Met). This variant is present in population databases (rs775817289, gnomAD 0.002%). This variant has not been reported in the literature in individuals affected with KIT-related conditions. ClinVar contains an entry for this variant (Variation ID: 580655). An algorithm developed to predict the effect of missense changes on protein structure and function (PolyPhen-2) suggests that this variant is likely to be tolerated. In summary, the available evidence is currently insufficient to determine the role of this variant in disease. Therefore, it has been classified as a Variant of Uncertain Significance.

Ambry Genetics
Classification: Uncertain significance for Hereditary cancer-predisposing syndrome. Last evaluated: 2025-07-10. Review status: criteria provided, single submitter. Criteria: Ambry Variant Classification Scheme 2023. Collection method: clinical testing. Allele origin: germline.
Comment: The p.K158M variant (also known as c.473A>T), located in coding exon 3 of the KIT gene, results from an A to T substitution at nucleotide position 473. The lysine at codon 158 is replaced by methionine, an amino acid with similar properties. This amino acid position is not well conserved in available vertebrate species. In addition, this alteration is predicted to be tolerated by in silico analysis. Based on the available evidence, the clinical significance of this variant remains unclear.

GeneDx
Classification: Uncertain significance. Last evaluated: 2024-09-22. Review status: criteria provided, single submitter. Criteria: GeneDx Variant Classification Process June 2021. Collection method: clinical testing. Allele origin: germline. Affected: yes.
Comment: Not observed at significant frequency in large population cohorts (gnomAD); In silico analysis indicates that this missense variant does not alter protein structure/function; Has not been previously published as pathogenic or benign to our knowledge

NM_000222.3(KIT):c.473A>T (p.Lys158Met)

Gene: KIT (KIT proto-oncogene, receptor tyrosine kinase; plus strand). Cytogenetic location: 4q12.
Variant type: single nucleotide variant.
Coding change: c.473A>T on transcript NM_000222.3 (MANE Select); coding-DNA position 473, A replaced by T.
Protein change: p.Lys158Met; replaces lysine 158 with methionine.
Molecular consequence: missense variant.
Genome position (GRCh38, 1-based): chr4:54,698,419, A>T. VCF-style: chr4-54698419-A-T. GRCh37 (hg19) VCF-style: chr4-55564585-A-T.
Other names: c.473A>T, p.Lys158Met (NM_001093772.2, NM_001385284.1, NM_001385285.1 and 4 more transcripts); short protein forms K158M.
Identifiers: ClinVar variation 580655 (VCV000580655.12), dbSNP rs775817289, ClinGen allele CA2923248.
Genomic context (GRCh38, chr4:54,698,419, plus strand): 5'-TCACAGACCCAGAAGTGACCAATTATTCCCTCAAGGGGTGCCAGGGGAAGCCTCTTCCCA[A>T]GGACTTGAGGTTTATTCCTGACCCCAAGGCGGGCATCATGATCAAAAGTGTGAAACGCGC-3'
Protein context (NP_000213.1, residues 148-168): LKGCQGKPLP[Lys158Met]DLRFIPDPKA